The following is an entry in ClinVar:

NM_001127208.3(TET2):c.2852C>T (p.Ala951Val)

Genes: TET2 (tet methylcytosine dioxygenase 2; plus strand), TET2-AS1 (TET2 antisense RNA 1; minus strand). Cytogenetic location: 4q24.
Variant type: single nucleotide variant.
Coding change: c.2852C>T on transcript NM_001127208.3 (MANE Select); coding-DNA position 2852, C replaced by T.
Protein change: p.Ala951Val; replaces alanine 951 with valine.
Molecular consequence: missense variant.
Genome position (GRCh38, 1-based): chr4:105,236,794, C>T. VCF-style: chr4-105236794-C-T. GRCh37 (hg19) VCF-style: chr4-106157951-C-T.
Other names: c.2852C>T, p.Ala951Val (NM_017628.4); short protein forms A951V.
Identifiers: ClinVar variation 3805902 (VCV003805902.1).

ClinVar aggregate classification (germline): Uncertain significance (1 of 4 stars; one submission).

Submission:

Ambry Genetics
Classification: Uncertain significance. Last evaluated: 2024-12-26. Review status: criteria provided, single submitter. Criteria: Ambry Variant Classification Scheme 2023. Collection method: clinical testing. Allele origin: germline.
Comment: The p.A951V variant (also known as c.2852C>T), located in coding exon 1 of the TET2 gene, results from a C to T substitution at nucleotide position 2852. The alanine at codon 951 is replaced by valine, an amino acid with similar properties. This amino acid position is conserved. In addition, the in silico prediction for this alteration is inconclusive. Based on the available evidence, the clinical significance of this variant remains unclear.